The following is an entry in ClinVar:

NM_000388.4(CASR):c.303C>A (p.Cys101Ter)

Gene: CASR (calcium sensing receptor; plus strand). Cytogenetic location: 3q21.1.
Variant type: single nucleotide variant.
Coding change: c.303C>A on transcript NM_000388.4 (MANE Select); coding-DNA position 303, C replaced by A.
Protein change: p.Cys101Ter; replaces cysteine 101 with a stop codon.
Molecular consequence: nonsense.
Genome position (GRCh38, 1-based): chr3:122,257,198, C>A. VCF-style: chr3-122257198-C-A. GRCh37 (hg19) VCF-style: chr3-121976045-C-A.
Other names: c.303C>A, p.Cys101Ter (NM_001178065.2); short protein forms C101*.
Identifiers: ClinVar variation 2637452 (VCV002637452.1), dbSNP rs754033243, ClinGen allele CA2569457.
Genomic context (GRCh38, chr3:122,257,198, plus strand): 5'-AAACAGCAGCCCAGCCCTTCTTCCCAACTTGACGCTGGGATACAGGATATTTGACACTTG[C>A]AACACCGTTTCTAAGGCCTTGGAAGCCACCCTGAGTTTTGTTGCTCAAAACAAAATTGAT-3'

ClinVar aggregate classification (germline): Pathogenic (1 of 4 stars; one submission).

Conditions:
Familial hypocalciuric hypercalcemia (FHH). Also called: Familial benign hypercalcemia. Identifiers: Orphanet 405, MedGen C1809471, MONDO:0018458.

Allele frequency attached by ClinVar (database versions not stated): gnomAD exomes below 0.00001; ExAC 0.00001.
gnomAD v4.1: 1 of 1,614,176 alleles (0.000062%); highest among the groups gnomAD compares: South Asian, 0.0011%; no homozygotes.

Submission:

Women's Health and Genetics/Laboratory Corporation of America, LabCorp
Classification: Pathogenic for Familial hypocalciuric hypercalcemia. Last evaluated: 2023-10-25. Review status: criteria provided, single submitter. Criteria: LabCorp Variant Classification Summary - May 2015. Collection method: clinical testing. Allele origin: germline.
Comment: Variant summary: CASR c.303C>A (p.Cys101X) results in a premature termination codon, predicted to cause a truncation of the encoded protein or absence of the protein due to nonsense mediated decay, which are commonly known mechanisms for disease. The variant allele was found at a frequency of 4e-06 in 251422 control chromosomes. c.303C>A has been reported in the literature in individuals affected with Familial Hypocalciuric Hypercalcemia (Dershem_2020). These data indicate that the variant may be associated with disease. To our knowledge, no experimental evidence demonstrating an impact on protein function has been reported. The following publication have been ascertained in the context of this evaluation (PMID: 32386559). The following publication have been ascertained in the context of this evaluation (PMID: 32386559). No submitters have cited clinical-significance assessments for this variant to ClinVar after 2014. Based on the evidence outlined above, the variant was classified as pathogenic.

Literature cited by the submitters: PubMed 32386559.